The following is an entry in ClinVar:

NM_000053.4(ATP7B):c.2121+3A>T

Gene: ATP7B (ATPase copper transporting beta; minus strand). Cytogenetic location: 13q14.3.
Variant type: single nucleotide variant.
Coding change: c.2121+3A>T on transcript NM_000053.4 (MANE Select); 3 bases into the intron after coding-DNA position 2121, A replaced by T.
Molecular consequence: intron variant.
Genome position (GRCh38, 1-based): chr13:51,960,145, T>A on the plus strand (A>T on the coding strand, the complement: ATP7B is on the minus strand). VCF-style: chr13-51960145-T-A. GRCh37 (hg19) VCF-style: chr13-52534281-T-A.
Other names: c.1788+3A>T (NM_001243182.2); c.1870-2538A>T (NM_001005918.3); c.1870-1601A>T (NM_001330579.2); c.2121+3A>T (NM_001330578.2).
Identifiers: ClinVar variation 1456062 (VCV001456062.8), dbSNP rs1248002612, ClinGen allele CA2573149704.

ClinVar aggregate classification (germline): Pathogenic (1 of 4 stars; one submission).

Conditions:
Wilson disease (WND). Also called: Wilson's disease. Identifiers: Orphanet 905, MedGen C0019202, MONDO:0010200, OMIM 277900. Disease mechanism: loss of function.

Submission:

Labcorp Genetics (formerly Invitae), Labcorp
Classification: Pathogenic for Wilson disease. Last evaluated: 2021-03-04. Review status: criteria provided, single submitter. Criteria: Invitae Variant Classification Sherloc (09022015). Collection method: clinical testing. Allele origin: germline.
Comment: For these reasons, this variant has been classified as Pathogenic. This variant disrupts the c.2121+3 nucleotide in the ATP7B gene. Other variant(s) that disrupt this nucleotide have been determined to be pathogenic (PMID: 19371217, 24668339). This suggests that this nucleotide is clinically significant, and that variants that disrupt this position are likely to be disease-causing. Nucleotide substitutions within the consensus splice site are a relatively common cause of aberrant splicing (PMID: 17576681, 9536098). Algorithms developed to predict the effect of sequence changes on RNA splicing suggest that this variant may disrupt the consensus splice site, but this prediction has not been confirmed by published transcriptional studies. This variant has been observed in individual(s) with Wilson disease (PMID: 21796144). This variant is not present in population databases (ExAC no frequency). This sequence change falls in intron 7 of the ATP7B gene. It does not directly change the encoded amino acid sequence of the ATP7B protein. It affects a nucleotide within the consensus splice site of the intron.

Literature cited by the submitters: PubMed 19371217; PubMed 24668339; PubMed 17576681; PubMed 9536098; PubMed 21796144.